The following is an entry in ClinVar:

ClinVar aggregate classification (germline): Likely benign. Review status: criteria provided, multiple submitters, no conflicts (2 of 4 stars). 3 submissions from 3 submitters: Likely benign (2). 1 of the submissions does not count toward it. Last evaluated 2025-04-01.

Conditions:
Ehlers-Danlos syndrome, type 4 (EDSVASC). Also called: Ehlers-Danlos syndrome vascular type; Ehlers Danlos syndrome, ecchymotic type; Ehlers Danlos syndrome, arterial type; Ehlers Danlos syndrome, Sack-Barabas type; Ehlers-Danlos Syndrome Type IV. Identifiers: Orphanet 286, MedGen C0268338, MONDO:0017314, OMIM 130050.
COL3A1-related disorder. Also called: COL3A1-related condition.

gnomAD v4.1: 6 of 1,614,076 alleles (0.00037%); highest among the groups gnomAD compares: South Asian, 0.0066%; no homozygotes.

Submissions (3):

Labcorp Genetics (formerly Invitae), Labcorp
Classification: Likely benign for Ehlers-Danlos syndrome, type 4. Last evaluated: 2025-04-01. Review status: criteria provided, single submitter. Criteria: Invitae Variant Classification Sherloc (09022015). Collection method: clinical testing. Allele origin: germline.

All of Us Research Program, National Institutes of Health
Classification: Likely benign for Ehlers-Danlos syndrome, type 4. Last evaluated: 2023-05-04. Review status: criteria provided, single submitter. Criteria: ACMG Guidelines, 2015. Collection method: clinical testing. Allele origin: germline. Inheritance: Autosomal dominant inheritance. Observed: 1 variant allele, 1 heterozygote.
Comment: This study involves interpretation of variants in research participants for the purpose of population health screening. Participant phenotype was not available at the time of variant classification. Additional details can be found in publication PMID: 35346344, PMCID: PMC8962531

PreventionGenetics, part of Exact Sciences
Classification: Likely benign for COL3A1-related condition. Last evaluated: 2022-05-16. Review status: no assertion criteria provided. Collection method: clinical testing. Allele origin: germline. Not counted in ClinVar's aggregate classification.
Comment: This variant is classified as likely benign based on ACMG/AMP sequence variant interpretation guidelines (Richards et al. 2015 PMID: 25741868, with internal and published modifications).

NM_000090.4(COL3A1):c.4332T>C (p.Ile1444=)

Gene: COL3A1 (collagen type III alpha 1 chain; plus strand). Cytogenetic location: 2q32.2.
Variant type: single nucleotide variant.
Coding change: c.4332T>C on transcript NM_000090.4 (MANE Select); coding-DNA position 4332, T replaced by C.
Protein change: p.Ile1444=; no amino-acid change (isoleucine 1444 retained).
Molecular consequence: synonymous variant.
Genome position (GRCh38, 1-based): chr2:189,011,705, T>C. VCF-style: chr2-189011705-T-C. GRCh37 (hg19) VCF-style: chr2-189876431-T-C.
Identifiers: ClinVar variation 529338 (VCV000529338.12), dbSNP rs1285255181, ClinGen allele CA430315249.